The following is an entry in ClinVar:

NM_000395.3(CSF2RB):c.2177C>T (p.Ser726Leu)

Gene: CSF2RB (colony stimulating factor 2 receptor subunit beta; plus strand). Cytogenetic location: 22q12.3.
Variant type: single nucleotide variant.
Coding change: c.2177C>T on transcript NM_000395.3 (MANE Select); coding-DNA position 2177, C replaced by T.
Protein change: p.Ser726Leu; replaces serine 726 with leucine.
Molecular consequence: missense variant.
Genome position (GRCh38, 1-based): chr22:36,937,985, C>T. VCF-style: chr22-36937985-C-T. GRCh37 (hg19) VCF-style: chr22-37334027-C-T.
Other names: c.2195C>T, p.Ser732Leu (NM_001410827.1); short protein forms S732L, S726L.
Identifiers: ClinVar variation 2056155 (VCV002056155.4), dbSNP rs574382286, ClinGen allele CA10214057.

ClinVar aggregate classification (germline): Uncertain significance (1 of 4 stars; one submission).

Allele frequency attached by ClinVar (database versions not stated): TOPMed 0.00002; ExAC 0.00003; 1000 Genomes Project 0.00020; 1000 Genomes Project 30x 0.00016; gnomAD 0.00002; gnomAD exomes 0.00003.
gnomAD v4.1: 43 of 1,614,144 alleles (0.0027%); highest among the groups gnomAD compares: South Asian, 0.0088%; no homozygotes.

Submission:

Labcorp Genetics (formerly Invitae), Labcorp
Classification: Uncertain significance. Last evaluated: 2023-12-13. Review status: criteria provided, single submitter. Criteria: Invitae Variant Classification Sherloc (09022015). Collection method: clinical testing. Allele origin: germline.
Comment: This sequence change replaces serine, which is neutral and polar, with leucine, which is neutral and non-polar, at codon 726 of the CSF2RB protein (p.Ser726Leu). This variant is present in population databases (rs574382286, gnomAD 0.01%). This variant has not been reported in the literature in individuals affected with CSF2RB-related conditions. ClinVar contains an entry for this variant (Variation ID: 2056155). Advanced modeling of protein sequence and biophysical properties (such as structural, functional, and spatial information, amino acid conservation, physicochemical variation, residue mobility, and thermodynamic stability) performed at Invitae indicates that this missense variant is not expected to disrupt CSF2RB protein function with a negative predictive value of 80%. In summary, the available evidence is currently insufficient to determine the role of this variant in disease. Therefore, it has been classified as a Variant of Uncertain Significance.